The following is an entry in ClinVar:

ClinVar aggregate classification (germline): Uncertain significance. Review status: criteria provided, multiple submitters, no conflicts (2 of 4 stars). 2 submissions from 2 submitters: Uncertain significance (2). Last evaluated 2021-12-02.

Conditions:
Cenani-Lenz syndactyly syndrome. Also called: CENANI SYNDACTYLISM; SYNDACTYLY, TYPE VII. Identifiers: Orphanet 3258, MedGen C1859309, MONDO:0008931, OMIM 212780.
Sclerosteosis 2 (SOST2). Identifiers: Orphanet 3152, MedGen C3280402, MONDO:0013679, OMIM 614305.
Congenital myasthenic syndrome 17. Identifiers: Orphanet 590, MedGen C4225377, MONDO:0014578, OMIM 616304.

Allele frequency attached by ClinVar (database versions not stated): gnomAD exomes below 0.00001; TOPMed below 0.00001.
gnomAD v4.1: 4 of 1,613,976 alleles (0.00025%); highest among the groups gnomAD compares: Non-Finnish European, 0.00034%; no homozygotes.

Submissions (2):

Fulgent Genetics
Classification: Uncertain significance for Cenani-Lenz syndactyly syndrome; Sclerosteosis 2; Congenital myasthenic syndrome 17. Last evaluated: 2021-12-02. Review status: criteria provided, single submitter. Criteria: ACMG Guidelines, 2015. Collection method: clinical testing. Allele origin: unknown.

GeneDx
Classification: Uncertain significance. Last evaluated: 2021-04-08. Review status: criteria provided, single submitter. Criteria: GeneDx Variant Classification Process June 2021. Collection method: clinical testing. Allele origin: germline. Affected: yes.
Comment: Not observed in large population cohorts (Lek et al., 2016); In silico analysis supports that this missense variant does not alter protein structure/function; Has not been previously published as pathogenic or benign to our knowledge

NM_002334.4(LRP4):c.2428G>A (p.Val810Ile)

Gene: LRP4 (LDL receptor related protein 4; minus strand). Cytogenetic location: 11p11.2.
Variant type: single nucleotide variant.
Coding change: c.2428G>A on transcript NM_002334.4 (MANE Select); coding-DNA position 2428, G replaced by A.
Protein change: p.Val810Ile; replaces valine 810 with isoleucine.
Molecular consequence: missense variant.
Genome position (GRCh38, 1-based): chr11:46,886,169, C>T on the plus strand (G>A on the coding strand, the complement: LRP4 is on the minus strand). VCF-style: chr11-46886169-C-T. GRCh37 (hg19) VCF-style: chr11-46907720-C-T.
Other names: short protein forms V810I.
Identifiers: ClinVar variation 1314525 (VCV001314525.3), dbSNP rs1246395979, ClinGen allele CA380280270.